The following is an entry in ClinVar:

NM_000506.5(F2):c.1003+25_1003+32dup

Gene: F2 (coagulation factor II, thrombin; plus strand). Cytogenetic location: 11p11.2.
Variant type: Duplication.
Coding change: c.1003+25_1003+32dup on transcript NM_000506.5 (MANE Select); bases 25 to 32 of the intron after coding-DNA position 1003, 8 bases duplicated (ATGCGGGG; older notation c.1003+25_1003+32dupATGCGGGG).
Molecular consequence: intron variant.
Genome position (GRCh38, 1-based): chr11:46,726,651-46,726,658, ATGCGGGG duplicated; duplicating any 8 consecutive bases within chr11:46,726,647-46,726,658 gives the same sequence; the c. name uses the placement nearest the transcript's 3' end. VCF-style (leftmost placement, unchanged base first): chr11-46726646-A-AGGGGATGC. GRCh37 (hg19) VCF-style: chr11-46748196-A-AGGGGATGC.
Other names: p.?.
Identifiers: ClinVar variation 4683612 (VCV004683612.1).

ClinVar aggregate classification (germline): Benign (1 of 4 stars; one submission).

Submission:

Mayo Clinic Laboratories, Mayo Clinic
Classification: Benign. Last evaluated: 2024-05-13. Review status: criteria provided, single submitter. Criteria: ACMG Guidelines, 2015. Collection method: clinical testing. Allele origin: germline. Observed: 3 variant alleles.
Comment: BS1, BS2, BP4, BP7